The following is an entry in ClinVar:

ClinVar aggregate classification (germline): Pathogenic/Likely pathogenic. Review status: criteria provided, multiple submitters, no conflicts (2 of 4 stars). 7 submissions from 7 submitters: Pathogenic (4); Likely pathogenic (2). 1 of the submissions does not count toward it. Last evaluated 2024-10-04.

Conditions:
GABRA1-related disorder. Also called: GABRA1-related condition.
Epilepsy, childhood absence 4 (ECA4). Also called: EPILEPSY, CHILDHOOD ABSENCE, SUSCEPTIBILITY TO, 4. Identifiers: Orphanet 307, MedGen C1970160.
Idiopathic generalized epilepsy. Also called: EIG; Generalised epilepsy. Identifiers: MedGen C0270850, MONDO:0005579, OMIM 600669.
Epilepsy, idiopathic generalized, susceptibility to, 13. Also called: EPILEPSY, JUVENILE MYOCLONIC, SUSCEPTIBILITY TO, 5. Identifiers: Orphanet 307, Orphanet 64280, MedGen C4013473, MONDO:0012627, OMIM 611136.
Developmental and epileptic encephalopathy, 19 (DEE19). Also called: Epileptic encephalopathy, early infantile, 19. Identifiers: Orphanet 33069, MedGen C3810400, MONDO:0014328, OMIM 615744.
Intractable seizure. Also called: Intractable seizures. Identifiers: MedGen C2674422.

Submissions (7):

Labcorp Genetics (formerly Invitae), Labcorp
Classification: Pathogenic for Epilepsy, childhood absence 4; Epilepsy, idiopathic generalized, susceptibility to, 13; Idiopathic generalized epilepsy. Last evaluated: 2024-10-04. Review status: criteria provided, single submitter. Criteria: Invitae Variant Classification Sherloc (09022015). Collection method: clinical testing. Allele origin: germline.
Comment: This sequence change replaces arginine, which is basic and polar, with cysteine, which is neutral and slightly polar, at codon 214 of the GABRA1 protein (p.Arg214Cys). This variant is not present in population databases (gnomAD no frequency). This missense change has been observed in individual(s) with epilepsy and/or neurodevelopmental disorders (PMID: 29655203; internal data). In at least one individual the variant was observed to be de novo. ClinVar contains an entry for this variant (Variation ID: 265161). Invitae Evidence Modeling of protein sequence and biophysical properties (such as structural, functional, and spatial information, amino acid conservation, physicochemical variation, residue mobility, and thermodynamic stability) indicates that this missense variant is expected to disrupt GABRA1 protein function with a positive predictive value of 80%. This variant disrupts the p.Arg214 amino acid residue in GABRA1. Other variant(s) that disrupt this residue have been determined to be pathogenic (PMID: 27353043, 27521439). This suggests that this residue is clinically significant, and that variants that disrupt this residue are likely to be disease-causing. For these reasons, this variant has been classified as Pathogenic.

Institute of Human Genetics, University of Leipzig Medical Center
Classification: Likely pathogenic for Developmental and epileptic encephalopathy, 19. Last evaluated: 2023-10-24. Review status: criteria provided, single submitter. Criteria: ACMG Guidelines, 2015. Collection method: clinical testing. Allele origin: unknown. Inheritance: Autosomal dominant inheritance. Affected: yes.
Comment: Criteria applied: PS2_MOD,PS4_MOD,PM1_SUP,PM2_SUP,PP2,PP3

Revvity Omics, Revvity
Classification: Pathogenic for Developmental and epileptic encephalopathy, 19. Last evaluated: 2022-03-14. Review status: criteria provided, single submitter. Criteria: ACMG Guidelines, 2015. Collection method: clinical testing. Allele origin: germline.

Fulgent Genetics
Classification: Likely pathogenic for Epilepsy, idiopathic generalized, susceptibility to, 13; Developmental and epileptic encephalopathy, 19. Last evaluated: 2022-02-14. Review status: criteria provided, single submitter. Criteria: ACMG Guidelines, 2015. Collection method: clinical testing. Allele origin: unknown.

Blueprint Genetics
Classification: Pathogenic for GABRA1-related disorders. Last evaluated: 2020-12-16. Review status: criteria provided, single submitter. Criteria: ACMG Guidelines, 2015. Collection method: clinical testing. Allele origin: germline. Affected: yes. Observed: 1 variant allele.

GeneDx
Classification: Pathogenic. Last evaluated: 2015-03-10. Review status: criteria provided, single submitter. Criteria: GeneDx Variant Classification (06012015). Collection method: clinical testing. Allele origin: germline. Affected: yes.
Comment: The R214C missense change in the GABRA1 gene has not been published as a pathogenic variant, nor has it been reported as a benign polymorphism to our knowledge. It was not observed in approximately 6,500 individuals of European and African American ancestry in the NHLBI Exome Sequencing Project, indicating it is not a common benign variant in these populations. The R214C missense change is a non-conservative amino acid substitution, which is likely to impact secondary protein structure as these residues differ in polarity, charge, size and/or other properties. This substitution occurs at a position that is conserved across species, and a missense variant in a nearby residue (D219N) has been reported in association with idiopathic generalized epilepsy (Lachance-Touchette et al., 2011). In silico analysis predicts R214C is probably damaging to the protein structure/function. Therefore, R214C is considered to be a pathogenic variant.

Clinical Molecular Genetics Laboratory, Johns Hopkins All Children's Hospital
Classification: Uncertain significance for intractable seizures. Last evaluated: 2017-02-10. Review status: no assertion criteria provided. Collection method: clinical testing. Allele origin: germline. Affected: yes. Not counted in ClinVar's aggregate classification.

Literature cited by the submitters: PubMed 29655203 (cited by Labcorp Genetics (formerly Invitae), Labcorp); PubMed 27353043 (cited by Labcorp Genetics (formerly Invitae), Labcorp); PubMed 27521439 (cited by Labcorp Genetics (formerly Invitae), Labcorp).

NM_001127644.2(GABRA1):c.640C>T (p.Arg214Cys)

Gene: GABRA1 (gamma-aminobutyric acid type A receptor subunit alpha1; plus strand). Cytogenetic location: 5q34.
Variant type: single nucleotide variant.
Coding change: c.640C>T on transcript NM_001127644.2 (MANE Select); coding-DNA position 640, C replaced by T.
Protein change: p.Arg214Cys; replaces arginine 214 with cysteine.
Molecular consequence: missense variant.
Genome position (GRCh38, 1-based): chr5:161,882,638, C>T. VCF-style: chr5-161882638-C-T. GRCh37 (hg19) VCF-style: chr5-161309644-C-T.
Other names: c.640C>T, p.Arg214Cys (NM_000806.5, NM_001127643.2, NM_001127645.2 and 1 more transcripts); short protein forms R214C.
Identifiers: ClinVar variation 265161 (VCV000265161.16), dbSNP rs727503940, ClinGen allele CA10588397.